The following is an entry in ClinVar:

NM_001134673.4(NFIA):c.229G>A (p.Ala77Thr)

Gene: NFIA (nuclear factor I A; plus strand). Cytogenetic location: 1p31.3.
Variant type: single nucleotide variant.
Coding change: c.229G>A on transcript NM_001134673.4 (MANE Select); coding-DNA position 229, G replaced by A.
Protein change: p.Ala77Thr; replaces alanine 77 with threonine.
Molecular consequence: missense variant.
Genome position (GRCh38, 1-based): chr1:61,088,350, G>A. VCF-style: chr1-61088350-G-A. GRCh37 (hg19) VCF-style: chr1-61554022-G-A.
Other names: c.205G>A, p.Ala69Thr (NM_001145511.2); c.364G>A, p.Ala122Thr (NM_001145512.2); c.229G>A, p.Ala77Thr (NM_005595.5); short protein forms A122T, A69T, A77T.
Identifiers: ClinVar variation 3372789 (VCV003372789.1).

ClinVar aggregate classification (germline): Uncertain significance (1 of 4 stars; one submission).

Submission:

GeneDx
Classification: Uncertain significance. Last evaluated: 2024-04-18. Review status: criteria provided, single submitter. Criteria: GeneDx Variant Classification Process June 2021. Collection method: clinical testing. Allele origin: germline. Affected: yes.
Comment: Not observed at significant frequency in large population cohorts (gnomAD); In silico analysis supports that this missense variant has a deleterious effect on protein structure/function; Has not been previously published as pathogenic or benign to our knowledge